The following is an entry in ClinVar:

NM_001354712.2(THRB):c.283+12T>C

Gene: THRB (thyroid hormone receptor beta; minus strand). Cytogenetic location: 3p24.2.
Variant type: single nucleotide variant.
Coding change: c.283+12T>C on transcript NM_001354712.2 (MANE Select); 12 bases into the intron after coding-DNA position 283, T replaced by C.
Molecular consequence: intron variant.
Genome position (GRCh38, 1-based): chr3:24,190,062, A>G on the plus strand (T>C on the coding strand, the complement: THRB is on the minus strand). VCF-style: chr3-24190062-A-G. GRCh37 (hg19) VCF-style: chr3-24231553-A-G.
Other names: c.283+12T>C (NM_001374822.1, NM_001374823.1, NM_001374824.1 and 12 more transcripts); c.190+12T>C (NM_001354714.2, NM_001354715.2).
Identifiers: ClinVar variation 902715 (VCV000902715.5), dbSNP rs372413180, ClinGen allele CA2287397.

ClinVar aggregate classification (germline): Likely benign. Review status: criteria provided, multiple submitters, no conflicts (2 of 4 stars). 2 submissions from 2 submitters: Likely benign (2). Last evaluated 2023-10-25.

Conditions:
Thyroid hormone resistance, generalized, autosomal dominant (GRTHD). Also called: HYPERTHYROXINEMIA, FAMILIAL EUTHYROID, SECONDARY TO PITUITARY AND PERIPHERAL RESISTANCE TO THYROID HORMONES. Identifiers: MedGen C2937288, MONDO:0008569, OMIM 188570.

Allele frequency attached by ClinVar (database versions not stated): TOPMed 0.00009; gnomAD 0.00012 and 0.00013; gnomAD exomes 0.00018 and 0.00019; ESP Exome Variant Server 0.00023; ExAC 0.00031.
gnomAD v4.1: 284 of 1,613,770 alleles (0.018%); highest among the groups gnomAD compares: Non-Finnish European, 0.022%; no homozygotes.

Submissions (2):

Women's Health and Genetics/Laboratory Corporation of America, LabCorp
Classification: Likely benign. Last evaluated: 2023-10-25. Review status: criteria provided, single submitter. Criteria: LabCorp Variant Classification Summary - May 2015. Collection method: clinical testing. Allele origin: germline.
Comment: Variant summary: THRB c.283+12T>C alters a non-conserved nucleotide located at a position not widely known to affect splicing. Consensus agreement among computation tools predict no significant impact on normal splicing. However, these predictions have yet to be confirmed by functional studies. The variant allele was found at a frequency of 0.00019 in 251058 control chromosomes. To our knowledge, no occurrence of c.283+12T>C in individuals affected with Thyroid Hormone Resistance, Generalized, Autosomal Dominant and no experimental evidence demonstrating its impact on protein function have been reported. One submitter has cited clinical-significance assessments for this variant to ClinVar after 2014 and has classified the variant as likely benign. Based on the evidence outlined above, the variant was classified as likely benign.

Illumina Laboratory Services, Illumina
Classification: Likely benign for Thyroid hormone resistance, generalized, autosomal dominant. Last evaluated: 2018-01-12. Review status: criteria provided, single submitter. Criteria: ICSL Variant Classification Criteria 13 December 2019. Collection method: clinical testing. Allele origin: germline.
Comment: This variant was observed in the ICSL laboratory as part of a predisposition screen in an ostensibly healthy population. It had not been previously curated by ICSL or reported in the Human Gene Mutation Database (HGMD: prior to June 1st, 2018), and was therefore a candidate for classification through an automated scoring system. Utilizing variant allele frequency, disease prevalence and penetrance estimates, and inheritance mode, an automated score was calculated to assess if this variant is too frequent to cause the disease. Based on the score and internal cut-off values, a variant classified as likely benign is not then subjected to further curation. The score for this variant resulted in a classification of likely benign for this disease.